The following is an entry in ClinVar:

ClinVar aggregate classification (germline): Uncertain significance (1 of 4 stars; one submission).

Submission:

Labcorp Genetics (formerly Invitae), Labcorp
Classification: Uncertain significance. Last evaluated: 2023-09-13. Review status: criteria provided, single submitter. Criteria: Invitae Variant Classification Sherloc (09022015). Collection method: clinical testing. Allele origin: germline.
Comment: In summary, the available evidence is currently insufficient to determine the role of this variant in disease. Therefore, it has been classified as a Variant of Uncertain Significance. Advanced modeling of protein sequence and biophysical properties (such as structural, functional, and spatial information, amino acid conservation, physicochemical variation, residue mobility, and thermodynamic stability) performed at Invitae indicates that this missense variant is not expected to disrupt EFTUD2 protein function. This variant has not been reported in the literature in individuals affected with EFTUD2-related conditions. This variant is not present in population databases (gnomAD no frequency). This sequence change replaces valine, which is neutral and non-polar, with methionine, which is neutral and non-polar, at codon 746 of the EFTUD2 protein (p.Val746Met).

NM_004247.4(EFTUD2):c.2236G>A (p.Val746Met)

Gene: EFTUD2 (elongation factor Tu GTP binding domain containing 2; minus strand). Cytogenetic location: 17q21.31.
Variant type: single nucleotide variant.
Coding change: c.2236G>A on transcript NM_004247.4 (MANE Select); coding-DNA position 2236, G replaced by A.
Protein change: p.Val746Met; replaces valine 746 with methionine.
Molecular consequence: missense variant.
Genome position (GRCh38, 1-based): chr17:44,854,579, C>T on the plus strand (G>A on the coding strand, the complement: EFTUD2 is on the minus strand). VCF-style: chr17-44854579-C-T. GRCh37 (hg19) VCF-style: chr17-42931947-C-T.
Other names: c.2131G>A, p.Val711Met (NM_001142605.2); c.2236G>A, p.Val746Met (NM_001258353.2); c.2206G>A, p.Val736Met (NM_001258354.2); short protein forms V711M, V746M, V736M.
Identifiers: ClinVar variation 2781426 (VCV002781426.3), dbSNP rs2508729622, ClinGen allele CA399842773.